The following is an entry in ClinVar:

ClinVar aggregate classification (germline): Uncertain significance (0 of 4 stars; one submission).

Conditions:
PLXNA4-related disorder. Also called: PLXNA4-related condition.

Submission:

PreventionGenetics, part of Exact Sciences
Classification: Uncertain significance for PLXNA4-related condition. Last evaluated: 2024-03-05. Review status: no assertion criteria provided. Collection method: clinical testing. Allele origin: germline.
Comment: The PLXNA4 c.608A>C variant is predicted to result in the amino acid substitution p.Lys203Thr. To our knowledge, this variant has not been reported in the literature. This variant is reported in 0.0058% of alleles in individuals of Latino descent in gnomAD. At this time, the clinical significance of this variant is uncertain due to the absence of conclusive functional and genetic evidence.

NM_020911.2(PLXNA4):c.608A>C (p.Lys203Thr)

Gene: PLXNA4 (plexin A4; minus strand). Cytogenetic location: 7q32.3.
Variant type: single nucleotide variant.
Coding change: c.608A>C on transcript NM_020911.2 (MANE Select); coding-DNA position 608, A replaced by C.
Protein change: p.Lys203Thr; replaces lysine 203 with threonine.
Molecular consequence: missense variant.
Genome position (GRCh38, 1-based): chr7:132,508,086, T>G on the plus strand (A>C on the coding strand, the complement: PLXNA4 is on the minus strand). VCF-style: chr7-132508086-T-G. GRCh37 (hg19) VCF-style: chr7-132192845-T-G.
Other names: c.608A>C, p.Lys203Thr (NM_001105543.2, NM_001393897.1, NM_181775.4); short protein forms K203T.
Identifiers: ClinVar variation 3349735 (VCV003349735.1).